The following is an entry in ClinVar:

ClinVar aggregate classification (germline): Uncertain significance (1 of 4 stars; one submission).

Conditions:
Gastrointestinal stromal tumor. Also called: Gastrointestinal stromal tumor, somatic; Gastrointestinal stroma tumor. Identifiers: Orphanet 44890, MedGen C0238198, MeSH D046152, MONDO:0011719, OMIM 606764, HP:0100723.

Allele frequency attached by ClinVar (database versions not stated): gnomAD 0.00001.
gnomAD v4.1: 1 of 1,613,934 alleles (0.000062%); highest among the groups gnomAD compares: African/African-American, 0.0013%; no homozygotes.

Submission:

Labcorp Genetics (formerly Invitae), Labcorp
Classification: Uncertain significance for Gastrointestinal stromal tumor. Last evaluated: 2024-06-09. Review status: criteria provided, single submitter. Criteria: Invitae Variant Classification Sherloc (09022015). Collection method: clinical testing. Allele origin: germline.
Comment: This sequence change falls in intron 20 of the KIT gene. It does not directly change the encoded amino acid sequence of the KIT protein. This variant is present in population databases (no rsID available, gnomAD 0.01%). This variant has not been reported in the literature in individuals affected with KIT-related conditions. ClinVar contains an entry for this variant (Variation ID: 570861). Algorithms developed to predict the effect of sequence changes on RNA splicing suggest that this variant may disrupt the consensus splice site. In summary, the available evidence is currently insufficient to determine the role of this variant in disease. Therefore, it has been classified as a Variant of Uncertain Significance.

NM_000222.3(KIT):c.2803-10T>A

Gene: KIT (KIT proto-oncogene, receptor tyrosine kinase; plus strand). Cytogenetic location: 4q12.
Variant type: single nucleotide variant.
Coding change: c.2803-10T>A on transcript NM_000222.3 (MANE Select); 10 bases into the intron before coding-DNA position 2803, T replaced by A.
Molecular consequence: intron variant.
Genome position (GRCh38, 1-based): chr4:54,738,419, T>A. VCF-style: chr4-54738419-T-A. GRCh37 (hg19) VCF-style: chr4-55604585-T-A.
Other names: c.2806-10T>A (NM_001385284.1); c.2803-10T>A (NM_001385290.1); c.2794-10T>A (NM_001385288.1); c.2791-10T>A (NM_001385292.1, NM_001093772.2); c.2800-10T>A (NM_001385285.1); c.2788-10T>A (NM_001385286.1).
Identifiers: ClinVar variation 570861 (VCV000570861.9), dbSNP rs1381666034, ClinGen allele CA551370477.